The following is an entry in ClinVar:

ClinVar aggregate classification (germline): Pathogenic/Likely pathogenic. Review status: criteria provided, multiple submitters, no conflicts (2 of 4 stars). 11 submissions from 11 submitters: Pathogenic (7); Likely pathogenic (2). 2 of the submissions do not count toward it. Last evaluated 2025-10-27.

Conditions:
Senior-Loken syndrome 8 (SLSN8). Identifiers: Orphanet 3156, MedGen C4225376, MONDO:0014579, OMIM 616307.
Nephronophthisis 13 (NPHP13). Identifiers: Orphanet 655, MedGen C3280612, MONDO:0013718, OMIM 614377.
Asphyxiating thoracic dystrophy 5 (SRTD5). Also called: SHORT-RIB THORACIC DYSPLASIA 5 WITH OR WITHOUT POLYDACTYLY; SHORT-RIB THORACIC DYSPLASIA 5 WITHOUT POLYDACTYLY. Identifiers: Orphanet 474, MedGen C3280598, MONDO:0013717, OMIM 614376.
Jeune thoracic dystrophy. Also called: Jeune syndrome; Infantile thoracic dystrophy; Thoracic pelvic phalangeal dystrophy; Jeune's syndrome; Chondroectodermal dysplasia-like syndrome; Short-rib thoracic dysplasia. Identifiers: Orphanet 474, MedGen C0265275, MONDO:0018770.
Spermatogenic failure 72 (SPGF72). Identifiers: MedGen C5676980, MONDO:0030809, OMIM 619867.
Cranioectodermal dysplasia 4 (CED4). Identifiers: Orphanet 1515, MedGen C3280616, MONDO:0013719, OMIM 614378.
WDR19-related disorder. Also called: WDR19-related condition; WDR19-related disorders. Identifiers: MedGen CN380161.

Allele frequency attached by ClinVar (database versions not stated): ExAC 0.00002; gnomAD 0.00004; gnomAD exomes 0.00004 and 0.00011; TOPMed 0.00004; ESP Exome Variant Server 0.00009.

Submissions (11):

Labcorp Genetics (formerly Invitae), Labcorp
Classification: Pathogenic for Senior-Loken syndrome 8; Asphyxiating thoracic dystrophy 5. Last evaluated: 2025-10-27. Review status: criteria provided, single submitter. Criteria: Invitae Variant Classification Sherloc (09022015). Collection method: clinical testing. Allele origin: germline.
Comment: This sequence change creates a premature translational stop signal (p.Thr261Asnfs*13) in the WDR19 gene. It is expected to result in an absent or disrupted protein product. Loss-of-function variants in WDR19 are known to be pathogenic (PMID: 22019273, 23559409, 23683095, 26275793, 27241786, 29068549). This variant is present in population databases (rs748656635, gnomAD 0.008%). This premature translational stop signal has been observed in individual(s) with asphyxiating thoracic dystrophy (PMID: 28973083, 29068549). ClinVar contains an entry for this variant (Variation ID: 446634). For these reasons, this variant has been classified as Pathogenic.

Blueprint Genetics
Classification: Pathogenic for WDR19-related disorders. Last evaluated: 2024-11-06. Review status: criteria provided, single submitter. Criteria: ACMG Guidelines, 2015. Collection method: clinical testing. Allele origin: germline. Affected: yes. Observed: 5 variant alleles.

Genetic Services Laboratory, University of Chicago
Classification: Likely pathogenic. Last evaluated: 2024-06-20. Review status: criteria provided, single submitter. Criteria: ACMG Guidelines, 2015. Collection method: clinical testing. Allele origin: germline. Affected: yes.
Comment: DNA sequence analysis of the WDR19 gene demonstrated a single base pair deletion in exon 9, c.781dup. This pathogenic sequence change results in an amino acid frameshift and creates a premature stop codon 12 amino acids downstream of the change, p.Thr261Asnfs*13. This sequence change is predicted to result in an abnormal transcript, which may be degraded, or may lead to the production of a truncated WDR19 protein with potentially abnormal function. This sequence change has been described in the gnomAD database with a frequency of 0.01% in the overall population (dbSNP rs748656635). This pathogenic sequence change has previously been described in trans with a second pathogenic variant in an individual with asphyxiating thoracic dystrophy (PMID: 29068549). These collective evidences indicate that this sequence change is likely pathogenic, however however functional studies have not been performed to prove this conclusively.

Fulgent Genetics
Classification: Pathogenic for Asphyxiating thoracic dystrophy 5; Nephronophthisis 13; Cranioectodermal dysplasia 4; Senior-Loken syndrome 8; Spermatogenic failure 72. Last evaluated: 2023-12-26. Review status: criteria provided, single submitter. Criteria: ACMG Guidelines, 2015. Collection method: clinical testing. Allele origin: germline.

Rady Children's Institute for Genomic Medicine, Rady Children's Hospital San Diego
Classification: Pathogenic for WDR19-Related Disorders. Last evaluated: 2023-12-08. Review status: criteria provided, single submitter. Criteria: ACMG Guidelines, 2015. Collection method: clinical testing. Allele origin: germline. Affected: yes.
Comment: This frameshifting variant in exon 9 of 37 is predicted to result in loss of normal protein function through either protein truncation or nonsense-mediated mRNA decay. Loss-of-function variation in WDR19 is an established mechanism of disease (PMID: 22019273). This variant has been previously reported as a compound heterozygous change in patients with WDR19-related disorders (PMID: 29068549, 28973083). The c.781dup (p.Thr261AsnfsTer13) variant is present in the heterozygous state in the gnomAD population database at a frequency of 0.004% (10/279452), and is absent in the homozygous state, thus is presumed to be rare. Based on the available evidence, c.781dup (p.Thr261AsnfsTer13) is classified as Pathogenic.

Laboratory for Molecular Medicine, Mass General Brigham Personalized Medicine
Classification: Pathogenic for Asphyxiating thoracic dystrophy 5. Last evaluated: 2023-12-04. Review status: criteria provided, single submitter. Criteria: ACMG Guidelines, 2015. Collection method: clinical testing. Allele origin: germline. Inheritance: Autosomal recessive inheritance.
Comment: The p.Thr261AsnfsX13 variant in WDR19 has been reported in the compound heterozygous state with another WDR19 variant in at least 2 individuals with clinical features of WDR19-associated ciliopathies (including asphyxiating thoracic dystrophy and/or nephronophthisis). It was also reported in the heterozygous state in 3 individuals with clinical features consistent with WDR-19 associated ciliopathies where a second variant was not identified (Halbritter 2013 PMID: 23559409, Coussa 2013 PMID: 23683095, Meng 2017 PMID: 28973083, Zhang 2018 PMID: 29068549, Liu 2019 PMID: 31216405). This variant has been reported by other clinical laboratories in ClinVar (Variation ID 446634) and has been identified in 0.007% (3/41448) of African chromosomes by gnomAD (v.3.1.2), at a frequency low enough to be consistent with a recessive carrier frequency. This variant is predicted to cause a frameshift, which alters the protein’s amino acid sequence beginning at position 261 and leads to a premature termination codon 13 amino acids downstream. This alteration is then predicted to lead to a truncated or absent protein. Loss of function variants in WDR19 gene have been reported in individuals with autosomal recessive ciliopathies (Bredrup 2011 PMID: 22019273, Zhang 2018 PMID: 29068549). In summary, this variant meets criteria to be classified as pathogenic for autosomal recessive WDR19-associated ciliopathies. ACMG/AMP Criteria applied: PVS1, PM3, PM2_Supporting.

Department of Pathology and Laboratory Medicine, Sinai Health System
Classification: Likely pathogenic for Nephronophthisis 13; Cranioectodermal dysplasia 4; Senior-Loken syndrome 8; Asphyxiating thoracic dystrophy 5. Last evaluated: 2023-03-16. Review status: criteria provided, single submitter. Criteria: ACMG Guidelines, 2015. Collection method: research. Allele origin: germline.

Revvity Omics, Revvity
Classification: Pathogenic. Last evaluated: 2022-01-18. Review status: criteria provided, single submitter. Criteria: ACMG Guidelines, 2015. Collection method: clinical testing. Allele origin: germline.

Baylor Genetics
Classification: Pathogenic for Nephronophthisis 13; Senior-Loken syndrome 8. Last evaluated: 2017-12-31. Review status: criteria provided, single submitter. Criteria: ACMG Guidelines, 2015. Collection method: clinical testing. Allele origin: germline. Affected: yes.

Dan Cohn Lab, University Of California Los Angeles
Classification: Pathogenic for Asphyxiating thoracic dystrophy. Last evaluated: 2017-06-01. Review status: no assertion criteria provided. Collection method: research. Allele origin: paternal. Affected: yes. Not counted in ClinVar's aggregate classification.

University of Washington Center for Mendelian Genomics, University of Washington
Classification: Likely pathogenic for asphyxiating thoracic dystrophy. Review status: no assertion criteria provided. Collection method: research. Allele origin: inherited. Affected: yes. Not counted in ClinVar's aggregate classification.

Literature cited by the submitters: PubMed 22019273 (cited by Labcorp Genetics (formerly Invitae), Labcorp and Laboratory for Molecular Medicine, Mass General Brigham Personalized Medicine); PubMed 23559409 (cited by 3 submitters); PubMed 23683095 (cited by 3 submitters); PubMed 26275793 (cited by Labcorp Genetics (formerly Invitae), Labcorp); PubMed 27241786 (cited by Labcorp Genetics (formerly Invitae), Labcorp); PubMed 29068549 (cited by 4 submitters); PubMed 28973083 (cited by Labcorp Genetics (formerly Invitae), Labcorp and Laboratory for Molecular Medicine, Mass General Brigham Personalized Medicine); PubMed 31216405 (cited by Laboratory for Molecular Medicine, Mass General Brigham Personalized Medicine).

NM_025132.4(WDR19):c.781dup (p.Thr261fs)

Gene: WDR19 (WD repeat domain 19; plus strand). Cytogenetic location: 4p14.
Variant type: Duplication.
Coding change: c.781dup on transcript NM_025132.4 (MANE Select); coding-DNA position 781, one base duplicated (A; older notation c.781dupA).
Protein change: p.Thr261fs; shifts the reading frame from threonine 261.
Molecular consequence: frameshift variant.
Genome position (GRCh38, 1-based): chr4:39,205,627, A duplicated. VCF-style (leftmost placement, unchanged base first): chr4-39205626-T-TA. GRCh37 (hg19) VCF-style: chr4-39207246-T-TA.
Other names: c.301dup, p.Thr101fs (NM_001317924.2); c.781dupA (NM_025132.3); short protein forms T101fs, T261fs.
Identifiers: ClinVar variation 446634 (VCV000446634.24), dbSNP rs748656635, ClinGen allele CA2891700.